The following is an entry in ClinVar:

NM_001039958.2(MESP2):c.537del (p.Gln180fs)

Gene: MESP2 (mesoderm posterior bHLH transcription factor 2; plus strand). Cytogenetic location: 15q26.1.
Variant type: Deletion.
Coding change: c.537del on transcript NM_001039958.2 (MANE Select); coding-DNA position 537, one base deleted (G; older notation c.537delG).
Protein change: p.Gln180fs; shifts the reading frame from glutamine 180.
Molecular consequence: frameshift variant.
Genome position (GRCh38, 1-based): chr15:89,776,894, G deleted; the last of 4 consecutive G bases (chr15:89,776,891-89,776,894); deleting any one gives the same sequence. VCF-style (leftmost placement, unchanged base first): chr15-89776890-AG-A. GRCh37 (hg19) VCF-style: chr15-90320121-AG-A.
Other names: short protein forms Q180fs.
Identifiers: ClinVar variation 4875514 (VCV004875514.1).
Genomic context (GRCh38, chr15:89,776,890, plus strand): 5'-CCCCTTGGGGCTGCCCGCTGTGCCCCGACCGTGGCCCCGCAGAGGCGCAGACGCAGGCGG[AG>A]GGGCAGGGGCAAGGGCAGGGGCAGGGGCAGGGGCAAGGGCAGGGGCAAGGACAGGGGCAA-3'

ClinVar aggregate classification (germline): Likely pathogenic (1 of 4 stars; one submission).

Conditions:
Spondylocostal dysostosis 2, autosomal recessive (SCDO2). Also called: MESP2-Related Spondylocostal Dysostosis, Autosomal Recessive; Spondylocostal dysostosis type 2. Identifiers: Orphanet 2311, MedGen C1837549, MONDO:0012097, OMIM 608681.

Submission:

Natera, Inc.
Classification: Likely pathogenic for Spondylocostal dysostosis type 2. Last evaluated: 2025-10-20. Review status: criteria provided, single submitter. Criteria: Natera Variant Classification Schema (03/2026). Collection method: clinical testing. Allele origin: germline.
Comment: The c.537del variant in MESP2 is a frameshift variant predicted to elongate the protein beyond the termination codon. This variant is expected to result in nonsense mediated decay, truncation, or a dysfunctional protein product. This variant is rare in the general population with a frequency below the threshold expected for the associated phenotype(s). Given the available evidence, this variant is classified as Likely Pathogenic.